The following is an entry in ClinVar:

ClinVar aggregate classification (germline): Likely benign. Review status: criteria provided, multiple submitters, no conflicts (2 of 4 stars). 2 submissions from 2 submitters: Likely benign (2). Last evaluated 2026-01-01.

Allele frequency attached by ClinVar (database versions not stated): ExAC 0.00002; gnomAD 0.00004; gnomAD exomes 0.00004 and 0.00009; TOPMed 0.00005; ESP Exome Variant Server 0.00008; 1000 Genomes Project 30x 0.00016; 1000 Genomes Project 0.00020.
gnomAD v4.1: 133 of 1,614,078 alleles (0.0082%); highest among the groups gnomAD compares: Non-Finnish European, 0.011%; no homozygotes.

Submissions (2):

CeGaT Center for Human Genetics Tuebingen
Classification: Likely benign. Last evaluated: 2026-01-01. Review status: criteria provided, single submitter. Criteria: CeGaT Center For Human Genetics Tuebingen Variant Classification Criteria Version 2. Collection method: clinical testing. Allele origin: germline. Affected: yes. Observed: 3 variant alleles.
Comment: DLL1: BP4, BP7

Labcorp Genetics (formerly Invitae), Labcorp
Classification: Likely benign. Last evaluated: 2025-08-05. Review status: criteria provided, single submitter. Criteria: Invitae Variant Classification Sherloc (09022015). Collection method: clinical testing. Allele origin: germline.

NM_005618.4(DLL1):c.1221C>T (p.Asp407=)

Gene: DLL1 (delta like canonical Notch ligand 1; minus strand). Cytogenetic location: 6q27.
Variant type: single nucleotide variant.
Coding change: c.1221C>T on transcript NM_005618.4 (MANE Select); coding-DNA position 1221, C replaced by T.
Protein change: p.Asp407=; no amino-acid change (aspartic acid 407 retained).
Molecular consequence: synonymous variant.
Genome position (GRCh38, 1-based): chr6:170,284,947, G>A on the plus strand (C>T on the coding strand, the complement: DLL1 is on the minus strand). VCF-style: chr6-170284947-G-A. GRCh37 (hg19) VCF-style: chr6-170594035-G-A.
Identifiers: ClinVar variation 1299059 (VCV001299059.38), dbSNP rs201577605, ClinGen allele CA4106903.